The following is an entry in ClinVar:

NM_001288705.3(CSF1R):c.1969+115_1969+116del

Gene: CSF1R (colony stimulating factor 1 receptor; minus strand). Cytogenetic location: 5q32.
Variant type: Deletion.
Coding change: c.1969+115_1969+116del on transcript NM_001288705.3 (MANE Select); bases 115 to 116 of the intron after coding-DNA position 1969, 2 bases deleted (AG; older notation c.1969+115_1969+116delAG).
Molecular consequence: intron variant.
Genome position (GRCh38, 1-based): chr5:150,060,746-150,060,747, CT deleted on the plus strand (AG on the coding strand, the reverse complement: CSF1R is on the minus strand). VCF-style (leftmost placement, unchanged base first): chr5-150060745-CCT-C. GRCh37 (hg19) VCF-style: chr5-149440308-CCT-C.
Other names: c.1525+115_1525+116del (NM_001375321.1); c.1969+115_1969+116del (NM_005211.4, NM_001375320.1, NM_001349736.2).
Identifiers: ClinVar variation 635123 (VCV000635123.3), dbSNP rs1581289103, ClinGen allele CA913190223.
Genomic context (GRCh38, chr5:150,060,745, plus strand): 5'-GCTCCTGACTATTCCAGGAGATGGGCCCAGGAGTTTAAGGGATGCTGTGACCGGGATCCC[CCT>C]GACACTTGGAGCAGTAGGATCCTGAGAAGGAGAAGACGGAACAAGGTAGCCCTGGGGCCC-3'

ClinVar aggregate classification (germline): Pathogenic. Review status: criteria provided, single submitter (1 of 4 stars). 3 submissions from 3 submitters: Pathogenic (1). 2 of the submissions do not count toward it. Last evaluated 2023-03-24.

Conditions:
Brain abnormalities, neurodegeneration, and dysosteosclerosis. Identifiers: MedGen C5193117, MONDO:0032772, OMIM 618476.

Submissions (3):

GeneDx
Classification: Pathogenic. Last evaluated: 2023-03-24. Review status: criteria provided, single submitter. Criteria: GeneDx Variant Classification Process June 2021. Collection method: clinical testing. Allele origin: germline. Affected: yes.
Comment: Non-canonical splice site variant demonstrated to result in loss of function (Guo L et al., 2019); No data available from control populations to assess the frequency of this variant; This variant is associated with the following publications: (PMID: 30982609, 31912665)

Solve-RD Consortium
Classification: Likely pathogenic for Brain abnormalities, neurodegeneration, and dysosteosclerosis. Last evaluated: 2022-06-01. Review status: no assertion criteria provided. Collection method: provider interpretation. Allele origin: inherited. Affected: yes. Not counted in ClinVar's aggregate classification.
Comment: Variant confirmed as disease-causing by referring clinical team

Variant identified during reanalysis of unsolved cases by the Solve-RD project. The Solve-RD project has received funding from the European Union’s Horizon 2020 research and innovation programme under grant agreement No 779257.

OMIM
Classification: Pathogenic for BRAIN ABNORMALITIES, NEURODEGENERATION, AND DYSOSTEOSCLEROSIS. Last evaluated: 2019-06-21. Review status: no assertion criteria provided. Collection method: literature only. Allele origin: germline. Not counted in ClinVar's aggregate classification.

Literature cited by the submitters: PubMed 39825153 (cited by Solve-RD Consortium); PubMed 30982609 (cited by OMIM).